The following is an entry in ClinVar:

NM_000475.5(NR0B1):c.981G>C (p.Glu327Asp)

Gene: NR0B1 (nuclear receptor subfamily 0 group B member 1; minus strand). Cytogenetic location: Xp21.2.
Variant type: single nucleotide variant.
Coding change: c.981G>C on transcript NM_000475.5 (MANE Select); coding-DNA position 981, G replaced by C.
Protein change: p.Glu327Asp; replaces glutamic acid 327 with aspartic acid.
Molecular consequence: missense variant.
Genome position (GRCh38, 1-based): chrX:30,308,383, C>G on the plus strand (G>C on the coding strand, the complement: NR0B1 is on the minus strand). VCF-style: chrX-30308383-C-G. GRCh37 (hg19) VCF-style: chrX-30326500-C-G.
Other names: c.981G>C (NM_000475.4); short protein forms E327D.
Identifiers: ClinVar variation 2044330 (VCV002044330.2), dbSNP rs758704782, ClinGen allele CA10376329.

ClinVar aggregate classification (germline): Uncertain significance. Review status: criteria provided, multiple submitters, no conflicts (2 of 4 stars). 2 submissions from 2 submitters: Uncertain significance (2). Last evaluated 2025-10-21.

Conditions:
Congenital adrenal hypoplasia, X-linked (AHC). Also called: ADRENAL HYPOPLASIA, CONGENITAL, WITH HYPOGONADOTROPIC HYPOGONADISM; Isolated X-Linked Adrenal Hypoplasia Congenita; X-linked AHC; X-Linked Adrenal Hypoplasia Congenita. Identifiers: Orphanet 95702, MedGen C0342482, MONDO:0010264, OMIM 300200. Disease mechanism: loss of function.
46,XY sex reversal 2. Also called: NR0B1-Related 46,XY CGD; NR0B1-related 46,XY complete gonadal dysgenesis; 46,XY SEX REVERSAL, DAX1-RELATED; 46XY sex reversal 2, dosage-sensitive; Dosage-sensitive sex reversal. Identifiers: MedGen C1848296, MONDO:0010226, OMIM 300018.
Inborn genetic diseases. Identifiers: MedGen C0950123, MeSH D030342.

Allele frequency attached by ClinVar (database versions not stated): gnomAD exomes below 0.00001; gnomAD 0.00001; ExAC 0.00002; TOPMed 0.00006.
gnomAD v4.1: 4 of 1,207,463 alleles (0.00033%); highest among the groups gnomAD compares: Admixed American, 0.0088%; no homozygotes.

Submissions (2):

Ambry Genetics
Classification: Uncertain significance for Inborn genetic diseases. Last evaluated: 2025-10-21. Review status: criteria provided, single submitter. Criteria: Ambry Variant Classification Scheme 2023. Collection method: clinical testing. Allele origin: germline.

Labcorp Genetics (formerly Invitae), Labcorp
Classification: Uncertain significance for Congenital adrenal hypoplasia, X-linked; 46,XY sex reversal 2. Last evaluated: 2022-03-26. Review status: criteria provided, single submitter. Criteria: Invitae Variant Classification Sherloc (09022015). Collection method: clinical testing. Allele origin: germline.
Comment: This sequence change replaces glutamic acid, which is acidic and polar, with aspartic acid, which is acidic and polar, at codon 327 of the NR0B1 protein (p.Glu327Asp). This variant is present in population databases (rs758704782, gnomAD 0.01%). This variant has not been reported in the literature in individuals affected with NR0B1-related conditions. Advanced modeling of protein sequence and biophysical properties (such as structural, functional, and spatial information, amino acid conservation, physicochemical variation, residue mobility, and thermodynamic stability) performed at Invitae indicates that this missense variant is not expected to disrupt NR0B1 protein function. In summary, the available evidence is currently insufficient to determine the role of this variant in disease. Therefore, it has been classified as a Variant of Uncertain Significance.